The following is an entry in ClinVar:

NM_001354930.2(RIPK1):c.863T>A (p.Phe288Tyr)

Gene: RIPK1 (receptor interacting serine/threonine kinase 1; plus strand). Cytogenetic location: 6p25.2.
Variant type: single nucleotide variant.
Coding change: c.863T>A on transcript NM_001354930.2 (MANE Select); coding-DNA position 863, T replaced by A.
Protein change: p.Phe288Tyr; replaces phenylalanine 288 with tyrosine.
Molecular consequence: missense variant.
Genome position (GRCh38, 1-based): chr6:3,089,605, T>A. VCF-style: chr6-3089605-T-A. GRCh37 (hg19) VCF-style: chr6-3089839-T-A.
Other names: c.374T>A, p.Phe125Tyr (NM_001317061.3, NM_001354932.2, NM_001354933.2 and 1 more transcripts); c.725T>A, p.Phe242Tyr (NM_001354931.2); c.863T>A, p.Phe288Tyr (NM_003804.6); short protein forms F125Y, F242Y, F288Y.
Identifiers: ClinVar variation 4781885 (VCV004781885.1).

ClinVar aggregate classification (germline): Uncertain significance (1 of 4 stars; one submission).

Submission:

Labcorp Genetics (formerly Invitae), Labcorp
Classification: Uncertain significance. Last evaluated: 2025-05-18. Review status: criteria provided, single submitter. Criteria: Invitae Variant Classification Sherloc (09022015). Collection method: clinical testing. Allele origin: germline.
Comment: This sequence change replaces phenylalanine, which is neutral and non-polar, with tyrosine, which is neutral and polar, at codon 288 of the RIPK1 protein (p.Phe288Tyr). This variant is not present in population databases (gnomAD no frequency). This variant has not been reported in the literature in individuals affected with RIPK1-related conditions. An algorithm developed to predict the effect of missense changes on protein structure and function (PolyPhen-2) suggests that this variant is likely to be disruptive. In summary, the available evidence is currently insufficient to determine the role of this variant in disease. Therefore, it has been classified as a Variant of Uncertain Significance.